The following is an entry in ClinVar:

NM_002528.7(NTHL1):c.631C>T (p.Pro211Ser)

Gene: NTHL1 (nth like DNA glycosylase 1; minus strand). Cytogenetic location: 16p13.3.
Variant type: single nucleotide variant.
Coding change: c.631C>T on transcript NM_002528.7 (MANE Select); coding-DNA position 631, C replaced by T.
Protein change: p.Pro211Ser; replaces proline 211 with serine.
Molecular consequence: missense variant.
Genome position (GRCh38, 1-based): chr16:2,043,621, G>A on the plus strand (C>T on the coding strand, the complement: NTHL1 is on the minus strand). VCF-style: chr16-2043621-G-A. GRCh37 (hg19) VCF-style: chr16-2093622-G-A.
Other names: c.460C>T, p.Pro154Ser (NM_001318193.2); c.301C>T, p.Pro101Ser (NM_001318194.2); short protein forms P154S, P211S, P101S.
Identifiers: ClinVar variation 838597 (VCV000838597.13), dbSNP rs2084298478, ClinGen allele CA394291298.

ClinVar aggregate classification (germline): Uncertain significance. Review status: criteria provided, multiple submitters, no conflicts (2 of 4 stars). 4 submissions from 4 submitters: Uncertain significance (4). Last evaluated 2025-06-02.

Conditions:
Hereditary cancer-predisposing syndrome. Also called: Neoplastic Syndromes, Hereditary; Tumor predisposition; Hereditary neoplastic syndrome; Hereditary Cancer Syndrome. Identifiers: Orphanet 140162, MedGen C0027672, MeSH D009386, MONDO:0015356.

Allele frequency attached by ClinVar (database versions not stated): gnomAD exomes below 0.00001; gnomAD 0.00001; TOPMed 0.00001.

Submissions (4):

Labcorp Genetics (formerly Invitae), Labcorp
Classification: Uncertain significance. Last evaluated: 2025-06-02. Review status: criteria provided, single submitter. Criteria: Invitae Variant Classification Sherloc (09022015). Collection method: clinical testing. Allele origin: germline.
Comment: This sequence change replaces proline, which is neutral and non-polar, with serine, which is neutral and polar, at codon 219 of the NTHL1 protein (p.Pro219Ser). This variant is not present in population databases (gnomAD no frequency). This variant has not been reported in the literature in individuals affected with NTHL1-related conditions. ClinVar contains an entry for this variant (Variation ID: 838597). An algorithm developed to predict the effect of missense changes on protein structure and function (PolyPhen-2) suggests that this variant is likely to be disruptive. In summary, the available evidence is currently insufficient to determine the role of this variant in disease. Therefore, it has been classified as a Variant of Uncertain Significance.

Ambry Genetics
Classification: Uncertain significance for Hereditary cancer-predisposing syndrome. Last evaluated: 2025-05-09. Review status: criteria provided, single submitter. Criteria: Ambry Variant Classification Scheme 2023. Collection method: clinical testing. Allele origin: germline.
Comment: The p.P219S variant (also known as c.655C>T), located in coding exon 4 of the NTHL1 gene, results from a C to T substitution at nucleotide position 655. The proline at codon 219 is replaced by serine, an amino acid with similar properties. This amino acid position is highly conserved in available vertebrate species. In addition, the in silico prediction for this alteration is inconclusive. Since supporting evidence is limited at this time, the clinical significance of this alteration remains unclear.

GeneDx
Classification: Uncertain significance. Last evaluated: 2024-02-27. Review status: criteria provided, single submitter. Criteria: GeneDx Variant Classification Process June 2021. Collection method: clinical testing. Allele origin: germline. Affected: yes.
Comment: Not observed at significant frequency in large population cohorts (gnomAD); In silico analysis supports that this missense variant has a deleterious effect on protein structure/function; Has not been previously published as pathogenic or benign to our knowledge; This variant is associated with the following publications: (PMID: 9045706, 8990169, 9705289)

Breakthrough Genomics
Classification: Uncertain significance. Review status: criteria provided, single submitter. Criteria: ACMG Guidelines, 2015. Collection method: not provided. Allele origin: germline. Inheritance: Autosomal recessive inheritance. Affected: yes.